The following is an entry in ClinVar:

ClinVar aggregate classification (germline): Uncertain significance. Review status: criteria provided, multiple submitters, no conflicts (2 of 4 stars). 3 submissions from 3 submitters: Uncertain significance (3). Last evaluated 2025-08-13.

Conditions:
Hereditary cancer-predisposing syndrome. Also called: Neoplastic Syndromes, Hereditary; Tumor predisposition; Hereditary Cancer Syndrome; Hereditary neoplastic syndrome. Identifiers: Orphanet 140162, MedGen C0027672, MeSH D009386, MONDO:0015356.
Familial cancer of breast. Also called: BREAST CANCER, FAMILIAL; hereditary breast carcinoma; Hereditary breast cancer. Identifiers: Orphanet 227535, MedGen C0346153, MONDO:0016419, OMIM 114480. Disease mechanism: loss of function.

Allele frequency attached by ClinVar (database versions not stated): gnomAD 0.00001; 1000 Genomes Project 0.00020; 1000 Genomes Project 30x 0.00031.
gnomAD v4.1: 2 of 1,614,040 alleles (0.00012%); highest among the groups gnomAD compares: Admixed American, 0.0017%; no homozygotes.

Submissions (3):

Quest Diagnostics Nichols Institute San Juan Capistrano
Classification: Uncertain significance. Last evaluated: 2025-08-13. Review status: criteria provided, single submitter. Criteria: Quest Diagnostics criteria. Collection method: clinical testing. Allele origin: unknown.
Comment: The BARD1 c.1765G>T (p.Ala589Ser) variant has not been reported in individuals with BARD1-related conditions in the published literature. The frequency of this variant in the general population (Genome Aggregation Database) is uninformative in the assessment of its pathogenicity. Analysis of this variant using bioinformatics tools for the prediction of the effect of amino acid changes on protein structure and function yielded conflicting predictions that this variant is benign or damaging. Based on the available information, we are unable to determine the clinical significance of this variant.

Ambry Genetics
Classification: Uncertain significance for Hereditary cancer-predisposing syndrome. Last evaluated: 2023-05-19. Review status: criteria provided, single submitter. Criteria: Ambry Variant Classification Scheme 2023. Collection method: clinical testing. Allele origin: germline.
Comment: The p.A589S variant (also known as c.1765G>T), located in coding exon 8 of the BARD1 gene, results from a G to T substitution at nucleotide position 1765. The alanine at codon 589 is replaced by serine, an amino acid with similar properties. This amino acid position is conserved. In addition, this alteration is predicted to be tolerated by in silico analysis. Since supporting evidence is limited at this time, the clinical significance of this alteration remains unclear.

Labcorp Genetics (formerly Invitae), Labcorp
Classification: Uncertain significance for Familial cancer of breast. Last evaluated: 2022-07-19. Review status: criteria provided, single submitter. Criteria: Invitae Variant Classification Sherloc (09022015). Collection method: clinical testing. Allele origin: germline.
Comment: In summary, the available evidence is currently insufficient to determine the role of this variant in disease. Therefore, it has been classified as a Variant of Uncertain Significance. Algorithms developed to predict the effect of missense changes on protein structure and function (SIFT, PolyPhen-2, Align-GVGD) all suggest that this variant is likely to be tolerated. ClinVar contains an entry for this variant (Variation ID: 460720). This variant has not been reported in the literature in individuals affected with BARD1-related conditions. This variant is present in population databases (rs547417612, gnomAD 0.01%). This sequence change replaces alanine, which is neutral and non-polar, with serine, which is neutral and polar, at codon 589 of the BARD1 protein (p.Ala589Ser).

NM_000465.4(BARD1):c.1765G>T (p.Ala589Ser)

Gene: BARD1 (BRCA1 associated RING domain 1; minus strand). Cytogenetic location: 2q35.
Variant type: single nucleotide variant.
Coding change: c.1765G>T on transcript NM_000465.4 (MANE Select); coding-DNA position 1765, G replaced by T.
Protein change: p.Ala589Ser; replaces alanine 589 with serine.
Molecular consequence: missense variant. On other transcripts: non-coding transcript variant (3), intron variant (1).
Genome position (GRCh38, 1-based): chr2:214,745,767, C>A on the plus strand (G>T on the coding strand, the complement: BARD1 is on the minus strand). VCF-style: chr2-214745767-C-A. GRCh37 (hg19) VCF-style: chr2-215610491-C-A.
Other names: c.1765G>T (NM_000465.2); c.1708G>T, p.Ala570Ser (NM_001282543.2); c.412G>T, p.Ala138Ser (NM_001282545.2); c.355G>T, p.Ala119Ser (NM_001282548.2); c.365-15259G>T (NM_001282549.2); short protein forms A589S, A570S, A119S, A138S.
Identifiers: ClinVar variation 460720 (VCV000460720.14), dbSNP rs547417612, ClinGen allele CA64802899.
Genomic context (GRCh38, chr2:214,745,767, plus strand): 5'-ATTCAAAATCCTCACCTGTACTGTCAAACTCAGTATATTTTTTAGCCTTAAGAATTACTG[C>A]AAGCTCACTGAGCATTTTCTGTTGTTCTGAAGACAGCCCACTGCCTATAAGTACAAGAGG-3'
Protein context (NP_000456.2, residues 579-599): SEQQKMLSEL[Ala589Ser]VILKAKKYTE